The following is an entry in ClinVar:

GRCh38/hg38 Xq28(chrX:154895862-155336084)

Genes: CMC4 (C-X9-C motif containing 4; minus strand), F8 (coagulation factor VIII; minus strand), TMLHE-AS1 (TMLHE antisense RNA 1; plus strand), F8A3 (coagulation factor VIII associated 3; minus strand), F8A2 (coagulation factor VIII associated 2; plus strand) and 31 more. Cytogenetic location: Xq28.
Variant type: copy number gain.
Identifiers: ClinVar variation 3235933 (VCV003235933.1).

ClinVar aggregate classification (germline): Pathogenic (1 of 4 stars; one submission).

Conditions:
Chromosome Xq28 duplication syndrome. Also called: Xq28 Recurrent Microduplication Syndrome; Xq28 Duplication Syndrome, Int22h1/Int22h2 Mediated. Identifiers: Orphanet 1762, MedGen C2749007, MONDO:0010436, OMIM 300815.

Submission:

New York Genome Center
Classification: Pathogenic for Chromosome Xq28 duplication syndrome. Last evaluated: 2022-09-02. Review status: criteria provided, single submitter. Criteria: NYGC Assertion Criteria 2020. Collection method: clinical testing. Allele origin: inherited. Observed: 1 variant allele. Study: PrenatalSEQ.
Comment: Xq28 duplication syndrome (Int22h1/Int22h2 mediated) is a recurrent duplication syndrome, and has been observed in more than 30 individuals to date (for review [PMID:34199727, 26962617, 32112660, 25927380, 35595445]). The minimal duplication identified here contains 7 OMIM associated genes, including a partial duplication of disease associated gene F8, and full duplication of OMIM disease associated genes RAB39B and CLIC2 which are thought to be responsible for the cognitive and neurobehavioral manifestations of Xq28 duplication syndrome, Int22h1/Int22h2 mediated [GeneReviews; PMID: 26962617]. The Xq28 recurrent region (int22h1/int22h2-flanked) including RAB39B has been curated by the Clinical Genome Resource (ClinGen) Dosage Sensitivity group to have a Triplosensitivity score of 3 (Sufficient evidence for Triplosensitivity). The inherited Xq28 duplication identified here is reported as Pathogenic.

Literature cited by the submitters: PubMed 34199727; PubMed 26962617; PubMed 32112660; PubMed 25927380; PubMed 35595445.